The following is an entry in ClinVar:

ClinVar aggregate classification (germline): Uncertain significance. Review status: criteria provided, multiple submitters, no conflicts (2 of 4 stars). 2 submissions from 2 submitters: Uncertain significance (2). Last evaluated 2024-04-01.

Conditions:
Hyperuricemia, pulmonary hypertension, renal failure, alkalosis syndrome (HUPRAS). Also called: HYPERURICEMIA, PULMONARY HYPERTENSION, RENAL FAILURE, AND ALKALOSIS SYNDROME; HUPRA SYNDROME. Identifiers: Orphanet 363694, MedGen C3151209, MONDO:0013458, OMIM 613845.

Allele frequency attached by ClinVar (database versions not stated): gnomAD exomes 0.00001; gnomAD 0.00002; TOPMed 0.00002; ExAC 0.00003; 1000 Genomes Project 0.00020; 1000 Genomes Project 30x 0.00031.

Submissions (2):

Fulgent Genetics
Classification: Uncertain significance for Hyperuricemia, pulmonary hypertension, renal failure, alkalosis syndrome. Last evaluated: 2024-04-01. Review status: criteria provided, single submitter. Criteria: ACMG Guidelines, 2015. Collection method: clinical testing. Allele origin: germline.

Labcorp Genetics (formerly Invitae), Labcorp
Classification: Uncertain significance. Last evaluated: 2022-11-08. Review status: criteria provided, single submitter. Criteria: Invitae Variant Classification Sherloc (09022015). Collection method: clinical testing. Allele origin: germline.
Comment: This sequence change replaces arginine, which is basic and polar, with tryptophan, which is neutral and slightly polar, at codon 139 of the SARS2 protein (p.Arg139Trp). This variant is present in population databases (rs541776059, gnomAD 0.04%). This variant has not been reported in the literature in individuals affected with SARS2-related conditions. Algorithms developed to predict the effect of missense changes on protein structure and function are either unavailable or do not agree on the potential impact of this missense change (SIFT: "Deleterious"; PolyPhen-2: "Benign"; Align-GVGD: "Class C0"). In summary, the available evidence is currently insufficient to determine the role of this variant in disease. Therefore, it has been classified as a Variant of Uncertain Significance.

NM_017827.4(SARS2):c.415C>T (p.Arg139Trp)

Gene: SARS2 (seryl-tRNA synthetase 2, mitochondrial; minus strand). Cytogenetic location: 19q13.2.
Variant type: single nucleotide variant.
Coding change: c.415C>T on transcript NM_017827.4 (MANE Select); coding-DNA position 415, C replaced by T.
Protein change: p.Arg139Trp; replaces arginine 139 with tryptophan.
Molecular consequence: missense variant. On other transcripts: intron variant (1).
Genome position (GRCh38, 1-based): chr19:38,921,646, G>A on the plus strand (C>T on the coding strand, the complement: SARS2 is on the minus strand). VCF-style: chr19-38921646-G-A. GRCh37 (hg19) VCF-style: chr19-39412286-G-A.
Other names: c.471-50C>T (NM_001145901.2); short protein forms R139W.
Identifiers: ClinVar variation 2191276 (VCV002191276.5), dbSNP rs541776059, ClinGen allele CA9423186.